The following is an entry in ClinVar:

ClinVar aggregate classification (germline): Uncertain significance (1 of 4 stars; one submission).

Conditions:
Tuberous sclerosis 2 (TSC2). Identifiers: Orphanet 805, MedGen C1860707, MONDO:0013199, OMIM 613254.

Submission:

Labcorp Genetics (formerly Invitae), Labcorp
Classification: Uncertain significance for Tuberous sclerosis 2. Last evaluated: 2024-03-06. Review status: criteria provided, single submitter. Criteria: Invitae Variant Classification Sherloc (09022015). Collection method: clinical testing. Allele origin: germline.
Comment: This sequence change replaces lysine, which is basic and polar, with glutamic acid, which is acidic and polar, at codon 821 of the TSC2 protein (p.Lys821Glu). This variant is not present in population databases (gnomAD no frequency). This variant has not been reported in the literature in individuals affected with TSC2-related conditions. Advanced modeling of protein sequence and biophysical properties (such as structural, functional, and spatial information, amino acid conservation, physicochemical variation, residue mobility, and thermodynamic stability) performed at Invitae indicates that this missense variant is not expected to disrupt TSC2 protein function with a negative predictive value of 95%. In summary, the available evidence is currently insufficient to determine the role of this variant in disease. Therefore, it has been classified as a Variant of Uncertain Significance.

NM_000548.5(TSC2):c.2461A>G (p.Lys821Glu)

Gene: TSC2 (TSC complex subunit 2; plus strand). Cytogenetic location: 16p13.3.
Variant type: single nucleotide variant.
Coding change: c.2461A>G on transcript NM_000548.5 (MANE Select); coding-DNA position 2461, A replaced by G.
Protein change: p.Lys821Glu; replaces lysine 821 with glutamic acid.
Molecular consequence: missense variant. On other transcripts: non-coding transcript variant (5).
Genome position (GRCh38, 1-based): chr16:2,074,305, A>G. VCF-style: chr16-2074305-A-G. GRCh37 (hg19) VCF-style: chr16-2124306-A-G.
Other names: c.1999A>G, p.Lys667Glu (NM_001406681.1); c.1861A>G, p.Lys621Glu (NM_001406682.1, NM_001406683.1, NM_001318831.2 and 6 more transcripts); c.1117A>G, p.Lys373Glu (NM_001406694.1, NM_001406695.1, NM_001406696.1 and 6 more transcripts); c.859A>G, p.Lys287Glu (NM_001406698.1); c.2461A>G, p.Lys821Glu (NM_021055.3, NM_001077183.3, NM_001114382.3 and 6 more transcripts); c.2350A>G, p.Lys784Glu (NM_001318827.2, NM_001406678.1, NM_001406670.1); c.2314A>G, p.Lys772Glu (NM_001318829.2, NM_001406675.1, NM_001406676.1 and 1 more transcripts); c.2494A>G, p.Lys832Glu (NM_001318832.2); and 3 more; short protein forms K287E, K373E, K802E, K817E, K821E, K772E, K851E, K621E.
Identifiers: ClinVar variation 3675960 (VCV003675960.2).